The following is an entry in ClinVar:

ClinVar aggregate classification (germline): Uncertain significance (1 of 4 stars; one submission).

Conditions:
Charcot-Marie-Tooth disease, type I (CMT1). Also called: Charcot-Marie-Tooth, Type 1; Charcot-Marie-Tooth disease type 1. Identifiers: Orphanet 65753, MedGen C0751036, MONDO:0019011.

Submission:

Labcorp Genetics (formerly Invitae), Labcorp
Classification: Uncertain significance for Charcot-Marie-Tooth disease, type I. Last evaluated: 2019-01-30. Review status: criteria provided, single submitter. Criteria: Invitae Variant Classification Sherloc (09022015). Collection method: clinical testing. Allele origin: germline.
Comment: In summary, the available evidence is currently insufficient to determine the role of this variant in disease. Therefore, it has been classified as a Variant of Uncertain Significance. Algorithms developed to predict the effect of missense changes on protein structure and function (SIFT, PolyPhen-2, Align-GVGD) all suggest that this variant is likely to be disruptive, but these predictions have not been confirmed by published functional studies and their clinical significance is uncertain. This variant has not been reported in the literature in individuals with MPZ-related conditions. This variant is not present in population databases (ExAC no frequency). This sequence change replaces valine with glycine at codon 32 of the MPZ protein (p.Val32Gly). The valine residue is highly conserved and there is a moderate physicochemical difference between valine and glycine.

NM_000530.8(MPZ):c.95T>G (p.Val32Gly)

Gene: MPZ (myelin protein zero; minus strand). Cytogenetic location: 1q23.3.
Variant type: single nucleotide variant.
Coding change: c.95T>G on transcript NM_000530.8 (MANE Select); coding-DNA position 95, T replaced by G.
Protein change: p.Val32Gly; replaces valine 32 with glycine.
Molecular consequence: missense variant.
Genome position (GRCh38, 1-based): chr1:161,307,397, A>C on the plus strand (T>G on the coding strand, the complement: MPZ is on the minus strand). VCF-style: chr1-161307397-A-C. GRCh37 (hg19) VCF-style: chr1-161277187-A-C.
Other names: c.95T>G, p.Val32Gly (NM_001315491.2); short protein forms V32G.
Identifiers: ClinVar variation 840390 (VCV000840390.9), dbSNP rs1670289570, ClinGen allele CA343351579.